The following is an entry in ClinVar:

ClinVar aggregate classification (germline): Uncertain significance (1 of 4 stars; one submission).

Submission:

Labcorp Genetics (formerly Invitae), Labcorp
Classification: Uncertain significance. Last evaluated: 2022-07-31. Review status: criteria provided, single submitter. Criteria: Invitae Variant Classification Sherloc (09022015). Collection method: clinical testing. Allele origin: germline.
Comment: This variant has not been reported in the literature in individuals affected with VPS13D-related conditions. This variant is not present in population databases (gnomAD no frequency). This sequence change replaces threonine, which is neutral and polar, with proline, which is neutral and non-polar, at codon 3924 of the VPS13D protein (p.Thr3924Pro). Algorithms developed to predict the effect of missense changes on protein structure and function are either unavailable or do not agree on the potential impact of this missense change (SIFT: "Not Available"; PolyPhen-2: "Possibly Damaging"; Align-GVGD: "Not Available"). In summary, the available evidence is currently insufficient to determine the role of this variant in disease. Therefore, it has been classified as a Variant of Uncertain Significance.

NM_015378.4(VPS13D):c.11770A>C (p.Thr3924Pro)

Gene: VPS13D (vacuolar protein sorting 13 homolog D; plus strand). Cytogenetic location: 1p36.22.
Variant type: single nucleotide variant.
Coding change: c.11770A>C on transcript NM_015378.4 (MANE Select); coding-DNA position 11770, A replaced by C.
Protein change: p.Thr3924Pro; replaces threonine 3924 with proline.
Molecular consequence: missense variant.
Genome position (GRCh38, 1-based): chr1:12,400,316, A>C. VCF-style: chr1-12400316-A-C. GRCh37 (hg19) VCF-style: chr1-12460373-A-C.
Other names: c.11695A>C, p.Thr3899Pro (NM_018156.4); short protein forms T3899P, T3924P.
Identifiers: ClinVar variation 1956527 (VCV001956527.5), dbSNP rs2521509056, ClinGen allele CA338484773.